The following is an entry in ClinVar:

ClinVar aggregate classification (germline): Uncertain significance (1 of 4 stars; one submission).

Allele frequency attached by ClinVar (database versions not stated): TOPMed below 0.00001; gnomAD 0.00001.

Submission:

Ambry Genetics
Classification: Uncertain significance. Last evaluated: 2024-03-02. Review status: criteria provided, single submitter. Criteria: Ambry Variant Classification Scheme 2023. Collection method: clinical testing. Allele origin: germline.
Comment: The p.M398V variant (also known as c.1192A>G), located in coding exon 8 of the IDH1 gene, results from an A to G substitution at nucleotide position 1192. The methionine at codon 398 is replaced by valine, an amino acid with highly similar properties. This amino acid position is conserved. In addition, the in silico prediction for this alteration is inconclusive. Since supporting evidence is limited at this time, the clinical significance of this alteration remains unclear.

NM_005896.4(IDH1):c.1192A>G (p.Met398Val)

Gene: IDH1 (isocitrate dehydrogenase (NADP(+)) 1; minus strand). Cytogenetic location: 2q34.
Variant type: single nucleotide variant.
Coding change: c.1192A>G on transcript NM_005896.4 (MANE Select); coding-DNA position 1192, A replaced by G.
Protein change: p.Met398Val; replaces methionine 398 with valine.
Molecular consequence: missense variant.
Genome position (GRCh38, 1-based): chr2:208,237,132, T>C on the plus strand (A>G on the coding strand, the complement: IDH1 is on the minus strand). VCF-style: chr2-208237132-T-C. GRCh37 (hg19) VCF-style: chr2-209101856-T-C.
Other names: c.1192A>G, p.Met398Val (NM_001282386.1, NM_001282387.1); short protein forms M398V.
Identifiers: ClinVar variation 1745208 (VCV001745208.2), dbSNP rs1687825025, ClinGen allele CA350093592.
Genomic context (GRCh38, chr2:208,237,132, plus strand): 5'-TATGAACTTAAAGTTTGGCCTGAGCTAGTTTGATCTTCAAGTTTTCTCCAAGTTTATCCA[T>C]GAACTCAAATGTATTCAAGTAGTCAGAACGTTGCACACTAACGGGAAGGAAAAAAAAAAG-3'
Protein context (NP_005887.2, residues 388-408): RSDYLNTFEF[Met398Val]DKLGENLKIK